The following is an entry in ClinVar:

NM_005633.4(SOS1):c.3595T>C (p.Ser1199Pro)

Gene: SOS1 (SOS Ras/Rac guanine nucleotide exchange factor 1; minus strand). Cytogenetic location: 2p22.1.
Variant type: single nucleotide variant.
Coding change: c.3595T>C on transcript NM_005633.4 (MANE Select); coding-DNA position 3595, T replaced by C.
Protein change: p.Ser1199Pro; replaces serine 1199 with proline.
Molecular consequence: missense variant.
Genome position (GRCh38, 1-based): chr2:38,986,231, A>G on the plus strand (T>C on the coding strand, the complement: SOS1 is on the minus strand). VCF-style: chr2-38986231-A-G. GRCh37 (hg19) VCF-style: chr2-39213372-A-G.
Other names: p.Ser1199Pro; c.3574T>C, p.Ser1192Pro (NM_001382394.1); c.3595T>C (NM_005633.3); c.3550T>C, p.Ser1184Pro (NM_001382395.1); short protein forms S1184P, S1199P, S1192P.
Identifiers: ClinVar variation 1047244 (VCV001047244.11), dbSNP rs112353205, ClinGen allele CA1624144.
Genomic context (GRCh38, chr2:38,986,231, plus strand): 5'-GTTCTCGTGGTGGTAATAAGGGAGGGCTTTCAGGAGGGTCTGAGATAGAGGTCCGGTCTG[A>G]TATTGAATATCGTGGTGAATAGGCTTTTGATGTGGGTTGCCTAGGAGGAATGGCTGGGGG-3'
Protein context (NP_005624.2, residues 1189-1209): SKAYSPRYSI[Ser1199Pro]DRTSISDPPE

ClinVar aggregate classification (germline): Conflicting classifications of pathogenicity. Review status: criteria provided, conflicting classifications (1 of 4 stars). 3 submissions from 3 submitters: Uncertain significance (1); Likely benign (2). Last evaluated 2026-08-31.

Conditions:
RASopathy. Also called: Noonan spectrum disorder; rasopathies. Identifiers: Orphanet 536391, MedGen C5555857, MONDO:0021060.
Cardiovascular phenotype. Identifiers: MedGen CN230736.

Allele frequency attached by ClinVar (database versions not stated): gnomAD 0.00001; gnomAD exomes 0.00001 and below 0.00001; TOPMed below 0.00001; ExAC 0.00001.
gnomAD v4.1: 2 of 1,613,720 alleles (0.00012%); highest among the groups gnomAD compares: Admixed American, 0.0033%; no homozygotes.

Submissions (3):

Ambry Genetics
Classification: Likely benign for Cardiovascular phenotype. Last evaluated: 2026-08-31. Review status: criteria provided, single submitter. Criteria: Ambry Variant Classification Scheme 2023. Collection method: clinical testing. Allele origin: germline.

Labcorp Genetics (formerly Invitae), Labcorp
Classification: Likely benign for RASopathy. Last evaluated: 2025-09-23. Review status: criteria provided, single submitter. Criteria: Invitae Variant Classification Sherloc (09022015). Collection method: clinical testing. Allele origin: germline.

Mayo Clinic Laboratories, Mayo Clinic
Classification: Uncertain significance. Last evaluated: 2024-03-27. Review status: criteria provided, single submitter. Criteria: ACMG Guidelines, 2015. Collection method: clinical testing. Allele origin: germline. Observed: 1 variant allele.
Comment: BP4